The following is an entry in ClinVar:

NM_001386795.1(DTNA):c.231C>T (p.Asn77=)

Gene: DTNA (dystrobrevin alpha; plus strand). Cytogenetic location: 18q12.1.
Variant type: single nucleotide variant.
Coding change: c.231C>T on transcript NM_001386795.1 (MANE Select); coding-DNA position 231, C replaced by T.
Protein change: p.Asn77=; no amino-acid change (asparagine 77 retained).
Molecular consequence: synonymous variant.
Genome position (GRCh38, 1-based): chr18:34,794,119, C>T. VCF-style: chr18-34794119-C-T. GRCh37 (hg19) VCF-style: chr18-32374083-C-T.
Other names: p.N77N:AAC>AAT; c.231C>T, p.Asn77= (NM_001128175.2, NM_001198938.2, NM_001198939.2 and 35 more transcripts).
Identifiers: ClinVar variation 46423 (VCV000046423.15), dbSNP rs147759402, ClinGen allele CA138324.
Genomic context (GRCh38, chr18:34,794,119, plus strand): 5'-TGTCATAGAAGCATTGCGGGAAAATGCTCTGAACAACCTGGACCCAAACACTGAACTCAA[C>T]GTGTCCCGCTTAGAGGCTGTGCTCTCCACTATTTTTTACCAGCTCAACAAACGGATGCCA-3'
Protein context (NP_001373724.1, residues 67-87): LNNLDPNTEL[Asn77=]VSRLEAVLST

ClinVar aggregate classification (germline): Benign. Review status: criteria provided, multiple submitters, no conflicts (2 of 4 stars). 4 submissions from 4 submitters: Benign (4). Last evaluated 2026-01-28.

Conditions:
Left ventricular noncompaction 1 (LVNC1). Also called: LEFT VENTRICULAR NONCOMPACTION 1 WITH OR WITHOUT CONGENITAL HEART DEFECTS. Identifiers: Orphanet 54260, MedGen C1858725, MONDO:0011403, OMIM 604169.

Allele frequency attached by ClinVar (database versions not stated): gnomAD exomes 0.00047; 1000 Genomes Project 0.00419; ESP Exome Variant Server 0.00523; 1000 Genomes Project 30x 0.00484; TOPMed 0.00601.
gnomAD v4.1: 1,465 of 1,614,166 alleles (0.091%); highest among the groups gnomAD compares: African/African-American, 1.6%; 12 homozygotes.

Submissions (4):

Labcorp Genetics (formerly Invitae), Labcorp
Classification: Benign for Left ventricular noncompaction 1. Last evaluated: 2026-01-28. Review status: criteria provided, single submitter. Criteria: Invitae Variant Classification Sherloc (09022015). Collection method: clinical testing. Allele origin: germline.

Women's Health and Genetics/Laboratory Corporation of America, LabCorp
Classification: Benign. Last evaluated: 2016-02-09. Review status: criteria provided, single submitter. Criteria: LabCorp Variant Classification Summary - May 2015. Collection method: clinical testing. Allele origin: germline.
Comment: Variant summary: This c.231C>T variant affects a non-conserved nucleotide, resulting in synonymous amino acid change. 4/5 splice-site tools via Alamut predict that this variant does not affect normal splicing. This variant was found in 184/121294 control chromosomes from the broad and large populations from ExAC at a frequency of 0.001517, which is more than 60 times of maximal expected frequency of a pathogenic allele (0.000025) in this gene, suggesting this variant is benign. The variant is more frequent in African population with an allele frequency of 1.5% (161/10406 chromosomes) including one homozygous occurrence. Multiple clinical laboratories have classified this variant as benign. Taken together, this variant has been classified as Benign.

GeneDx
Classification: Benign. Last evaluated: 2014-04-22. Review status: criteria provided, single submitter. Criteria: GeneDx Variant Classification (06012015). Collection method: clinical testing. Allele origin: germline. Affected: yes.
Comment: This variant is considered likely benign or benign based on one or more of the following criteria: it is a conservative change, it occurs at a poorly conserved position in the protein, it is predicted to be benign by multiple in silico algorithms, and/or has population frequency not consistent with disease.

Laboratory for Molecular Medicine, Mass General Brigham Personalized Medicine
Classification: Benign. Last evaluated: 2012-03-19. Review status: criteria provided, single submitter. Criteria: LMM Criteria. Collection method: clinical testing. Allele origin: germline. Observed: 5 variant alleles.
Comment: p.Asn77Asn in Exon 05 of DTNA: This variant is not expected to have clinical sig nificance because it does not alter an amino acid residue, is not located within the splice consensus sequence and has been identified in 1.5% (56/3738) of Afri can American chromosomes from a broad population by the NHLBI Exome Sequencing P roject (dbSNP rs147759402).